The following is an entry in ClinVar:

NM_000037.4(ANK1):c.690C>G (p.Ala230=)

Gene: ANK1 (ankyrin 1; minus strand). Cytogenetic location: 8p11.21.
Variant type: single nucleotide variant.
Coding change: c.690C>G on transcript NM_000037.4 (MANE Select); coding-DNA position 690, C replaced by G.
Protein change: p.Ala230=; no amino-acid change (alanine 230 retained).
Molecular consequence: synonymous variant.
Genome position (GRCh38, 1-based): chr8:41,724,477, G>C on the plus strand (C>G on the coding strand, the complement: ANK1 is on the minus strand). VCF-style: chr8-41724477-G-C. GRCh37 (hg19) VCF-style: chr8-41581995-G-C.
Other names: p.Ala230=; c.789C>G, p.Ala263= (NM_001142446.2); c.690C>G, p.Ala230= (NM_020475.3, NM_020476.3, NM_020477.3); c.690C>G (NM_020476.2).
Identifiers: ClinVar variation 786119 (VCV000786119.11), dbSNP rs138331080, ClinGen allele CA4728903.

ClinVar aggregate classification (germline): Likely benign. Review status: criteria provided, multiple submitters, no conflicts (2 of 4 stars). 3 submissions from 3 submitters: Likely benign (2). 1 of the submissions does not count toward it. Last evaluated 2025-08-26.

Conditions:
ANK1-related disorder. Also called: ANK1-related condition.

Allele frequency attached by ClinVar (database versions not stated): gnomAD exomes 0.00013; gnomAD 0.00089 and 0.00098; ExAC 0.00041; 1000 Genomes Project 30x 0.00016; 1000 Genomes Project 0.00020; TOPMed 0.00096; ESP Exome Variant Server 0.00100.
gnomAD v4.1: 230 of 1,591,924 alleles (0.014%); highest among the groups gnomAD compares: African/African-American, 0.3%; 1 homozygote.

Submissions (3):

Mayo Clinic Laboratories, Mayo Clinic
Classification: Likely benign. Last evaluated: 2025-08-26. Review status: criteria provided, single submitter. Criteria: ACMG Guidelines, 2015. Collection method: clinical testing. Allele origin: germline. Observed: 5 variant alleles.

Labcorp Genetics (formerly Invitae), Labcorp
Classification: Likely benign. Last evaluated: 2025-06-24. Review status: criteria provided, single submitter. Criteria: Invitae Variant Classification Sherloc (09022015). Collection method: clinical testing. Allele origin: germline.

PreventionGenetics, part of Exact Sciences
Classification: Likely benign for ANK1-related condition. Last evaluated: 2019-08-13. Review status: no assertion criteria provided. Collection method: clinical testing. Allele origin: germline. Not counted in ClinVar's aggregate classification.
Comment: This variant is classified as likely benign based on ACMG/AMP sequence variant interpretation guidelines (Richards et al. 2015 PMID: 25741868, with internal and published modifications).